The following is an entry in ClinVar:

NM_000760.4(CSF3R):c.1238C>T (p.Ser413Leu)

Gene: CSF3R (colony stimulating factor 3 receptor; minus strand). Cytogenetic location: 1p34.3.
Variant type: single nucleotide variant.
Coding change: c.1238C>T on transcript NM_000760.4 (MANE Select); coding-DNA position 1238, C replaced by T.
Protein change: p.Ser413Leu; replaces serine 413 with leucine.
Molecular consequence: missense variant.
Genome position (GRCh38, 1-based): chr1:36,471,480, G>A on the plus strand (C>T on the coding strand, the complement: CSF3R is on the minus strand). VCF-style: chr1-36471480-G-A. GRCh37 (hg19) VCF-style: chr1-36937081-G-A.
Other names: c.1238C>T (NM_000760.3); c.1238C>T, p.Ser413Leu (NM_156039.3, NM_172313.3); short protein forms S413L.
Identifiers: ClinVar variation 1381601 (VCV001381601.7), dbSNP rs1294098023, ClinGen allele CA339421686.

ClinVar aggregate classification (germline): Uncertain significance. Review status: criteria provided, multiple submitters, no conflicts (2 of 4 stars). 2 submissions from 2 submitters: Uncertain significance (2). Last evaluated 2025-05-17.

Conditions:
Autosomal recessive severe congenital neutropenia due to CSF3R deficiency. Also called: Neutropenia, severe congenital, 7, autosomal recessive. Identifiers: Orphanet 420702, MedGen C4310764, MONDO:0014865, OMIM 617014.
Inborn genetic diseases. Identifiers: MedGen C0950123, MeSH D030342.

Allele frequency attached by ClinVar (database versions not stated): gnomAD exomes 0.00001; TOPMed 0.00001; gnomAD 0.00002.
gnomAD v4.1: 5 of 1,614,116 alleles (0.00031%); highest among the groups gnomAD compares: African/African-American, 0.0053%; no homozygotes.

Submissions (2):

Labcorp Genetics (formerly Invitae), Labcorp
Classification: Uncertain significance for Autosomal recessive severe congenital neutropenia due to CSF3R deficiency. Last evaluated: 2025-05-17. Review status: criteria provided, single submitter. Criteria: Invitae Variant Classification Sherloc (09022015). Collection method: clinical testing. Allele origin: germline.
Comment: This sequence change replaces serine, which is neutral and polar, with leucine, which is neutral and non-polar, at codon 413 of the CSF3R protein (p.Ser413Leu). This variant is present in population databases (no rsID available, gnomAD 0.01%). This variant has not been reported in the literature in individuals affected with CSF3R-related conditions. ClinVar contains an entry for this variant (Variation ID: 1381601). Invitae Evidence Modeling of protein sequence and biophysical properties (such as structural, functional, and spatial information, amino acid conservation, physicochemical variation, residue mobility, and thermodynamic stability) indicates that this missense variant is not expected to disrupt CSF3R protein function with a negative predictive value of 80%. In summary, the available evidence is currently insufficient to determine the role of this variant in disease. Therefore, it has been classified as a Variant of Uncertain Significance.

Ambry Genetics
Classification: Uncertain significance for Inborn genetic diseases. Last evaluated: 2025-04-03. Review status: criteria provided, single submitter. Criteria: Ambry Variant Classification Scheme 2023. Collection method: clinical testing. Allele origin: germline.